The following is an entry in ClinVar:

NM_001447.3(FAT2):c.3028C>T (p.Arg1010Cys)

Gene: FAT2 (FAT atypical cadherin 2; minus strand). Cytogenetic location: 5q33.1.
Variant type: single nucleotide variant.
Coding change: c.3028C>T on transcript NM_001447.3 (MANE Select); coding-DNA position 3028, C replaced by T.
Protein change: p.Arg1010Cys; replaces arginine 1010 with cysteine.
Molecular consequence: missense variant.
Genome position (GRCh38, 1-based): chr5:151,565,904, G>A on the plus strand (C>T on the coding strand, the complement: FAT2 is on the minus strand). VCF-style: chr5-151565904-G-A. GRCh37 (hg19) VCF-style: chr5-150945465-G-A.
Other names: c.3028C>T (NM_001447.2); short protein forms R1010C.
Identifiers: ClinVar variation 2043855 (VCV002043855.31), dbSNP rs149215962, ClinGen allele CA3521936.
Genomic context (GRCh38, chr5:151,565,904, plus strand): 5'-GAGGGTGGAGATTCTCATTCACATCCAGGACGATCACCTCCACATGGCAGAGAGTCCTGC[G>A]GGCTAGGGGCCTCCCACCATCACTGGCCCACAGGCTCAGATTGTACCCAGCTCGCCTCTC-3'
Protein context (NP_001438.1, residues 1000-1020): WASDGGRPLA[Arg1010Cys]RTLCHVEVIV

ClinVar aggregate classification (germline): Likely benign. Review status: criteria provided, multiple submitters, no conflicts (2 of 4 stars). 5 submissions from 5 submitters: Likely benign (4). 1 of the submissions does not count toward it. Last evaluated 2025-11-25.

Conditions:
FAT2-related disorder. Also called: FAT2-related condition.
Spinocerebellar ataxia 45. Identifiers: Orphanet 589527, MedGen C4540400, MONDO:0033480, OMIM 617769.

Allele frequency attached by ClinVar (database versions not stated): TOPMed 0.00086; gnomAD 0.00121; ExAC 0.00123; ESP Exome Variant Server 0.00138; gnomAD exomes 0.00140.
gnomAD v4.1: 2,217 of 1,613,798 alleles (0.14%); highest among the groups gnomAD compares: Non-Finnish European, 0.15%; 3 homozygotes.

Submissions (5):

Labcorp Genetics (formerly Invitae), Labcorp
Classification: Likely benign. Last evaluated: 2025-11-25. Review status: criteria provided, single submitter. Criteria: Invitae Variant Classification Sherloc (09022015). Collection method: clinical testing. Allele origin: germline.

CeGaT Center for Human Genetics Tuebingen
Classification: Likely benign. Last evaluated: 2025-02-01. Review status: criteria provided, single submitter. Criteria: CeGaT Center For Human Genetics Tuebingen Variant Classification Criteria Version 2. Collection method: clinical testing. Allele origin: germline. Affected: yes. Observed: 3 variant alleles.
Comment: FAT2: BP4, BS1

Blueprint Genetics
Classification: Likely benign. Last evaluated: 2024-11-22. Review status: criteria provided, single submitter. Criteria: ACMG Guidelines, 2015. Collection method: clinical testing. Allele origin: germline.

Department of Pathology and Laboratory Medicine, Sinai Health System
Classification: Likely benign for Spinocerebellar ataxia 45. Last evaluated: 2020-06-19. Review status: criteria provided, single submitter. Criteria: ACMG Guidelines, 2015. Collection method: research. Allele origin: germline.

PreventionGenetics, part of Exact Sciences
Classification: Likely benign for FAT2-related condition. Last evaluated: 2019-09-18. Review status: no assertion criteria provided. Collection method: clinical testing. Allele origin: germline. Not counted in ClinVar's aggregate classification.
Comment: This variant is classified as likely benign based on ACMG/AMP sequence variant interpretation guidelines (Richards et al. 2015 PMID: 25741868, with internal and published modifications).